The following is an entry in ClinVar:

ClinVar aggregate classification (germline): Uncertain significance. Review status: criteria provided, multiple submitters, no conflicts (2 of 4 stars). 2 submissions from 2 submitters: Uncertain significance (2). Last evaluated 2024-10-23.

Allele frequency attached by ClinVar (database versions not stated): gnomAD exomes below 0.00001; TOPMed below 0.00001; gnomAD 0.00001.
gnomAD v4.1: 2 of 1,613,898 alleles (0.00012%); highest among the groups gnomAD compares: African/African-American, 0.0013%; no homozygotes.

Submissions (2):

Ambry Genetics
Classification: Uncertain significance. Last evaluated: 2024-10-23. Review status: criteria provided, single submitter. Criteria: Ambry Variant Classification Scheme 2023. Collection method: clinical testing. Allele origin: germline.
Comment: The p.R437K variant (also known as c.1310G>A), located in coding exon 9 of the RINT1 gene, results from a G to A substitution at nucleotide position 1310. The arginine at codon 437 is replaced by lysine, an amino acid with highly similar properties. This amino acid position is conserved. In addition, this alteration is predicted to be tolerated by in silico analysis. Since supporting evidence is limited at this time, the clinical significance of this alteration remains unclear.

Labcorp Genetics (formerly Invitae), Labcorp
Classification: Uncertain significance. Last evaluated: 2022-11-01. Review status: criteria provided, single submitter. Criteria: Invitae Variant Classification Sherloc (09022015). Collection method: clinical testing. Allele origin: germline.
Comment: In summary, the available evidence is currently insufficient to determine the role of this variant in disease. Therefore, it has been classified as a Variant of Uncertain Significance. Algorithms developed to predict the effect of missense changes on protein structure and function are either unavailable or do not agree on the potential impact of this missense change (SIFT: "Deleterious"; PolyPhen-2: "Benign"; Align-GVGD: "Class C0"). ClinVar contains an entry for this variant (Variation ID: 944121). This variant has not been reported in the literature in individuals affected with RINT1-related conditions. This variant is not present in population databases (gnomAD no frequency). This sequence change replaces arginine, which is basic and polar, with lysine, which is basic and polar, at codon 437 of the RINT1 protein (p.Arg437Lys).

NM_021930.6(RINT1):c.1310G>A (p.Arg437Lys)

Gene: RINT1 (RAD50 interactor 1; plus strand). Cytogenetic location: 7q22.3.
Variant type: single nucleotide variant.
Coding change: c.1310G>A on transcript NM_021930.6 (MANE Select); coding-DNA position 1310, G replaced by A.
Protein change: p.Arg437Lys; replaces arginine 437 with lysine.
Molecular consequence: missense variant. On other transcripts: non-coding transcript variant (1).
Genome position (GRCh38, 1-based): chr7:105,550,463, G>A. VCF-style: chr7-105550463-G-A. GRCh37 (hg19) VCF-style: chr7-105190910-G-A.
Other names: c.1076G>A, p.Arg359Lys (NM_001346599.2); c.287G>A, p.Arg96Lys (NM_001346600.2, NM_001346603.2); c.386G>A, p.Arg129Lys (NM_001346601.2); short protein forms R359K, R437K, R129K, R96K.
Identifiers: ClinVar variation 944121 (VCV000944121.11), dbSNP rs758182035, ClinGen allele CA164057700.